The following is an entry in ClinVar:

NM_001377.3(DYNC2H1):c.1662-3T>C

Gene: DYNC2H1 (dynein cytoplasmic 2 heavy chain 1; plus strand). Cytogenetic location: 11q22.3.
Variant type: single nucleotide variant.
Coding change: c.1662-3T>C on transcript NM_001377.3 (MANE Select); 3 bases into the intron before coding-DNA position 1662, T replaced by C.
Molecular consequence: intron variant.
Genome position (GRCh38, 1-based): chr11:103,125,097, T>C. VCF-style: chr11-103125097-T-C. GRCh37 (hg19) VCF-style: chr11-102995826-T-C.
Other names: c.1662-3T>C (NM_001080463.2).
Identifiers: ClinVar variation 501583 (VCV000501583.18), dbSNP rs548328948, ClinGen allele CA6252856.
Genomic context (GRCh38, chr11:103,125,097, plus strand): 5'-TGTGTTTATTAGTCAAAACAGTGAGAACATGAAACTTAACAGGTTATTTATTTTGTTTTA[T>C]AGTATTGAGGCTAGTAGTCGAATTATGGAATTGGATTCTAATGATGGATTACTAAAAGTG-3'

ClinVar aggregate classification (germline): Conflicting classifications of pathogenicity. Review status: criteria provided, conflicting classifications (1 of 4 stars). 5 submissions from 5 submitters: Uncertain significance (2); Likely benign (3). Last evaluated 2026-01-28.

Conditions:
Jeune thoracic dystrophy. Also called: Jeune syndrome; Infantile thoracic dystrophy; Thoracic pelvic phalangeal dystrophy; Jeune's syndrome; Chondroectodermal dysplasia-like syndrome; Short-rib thoracic dysplasia. Identifiers: Orphanet 474, MedGen C0265275, MONDO:0018770.
Asphyxiating thoracic dystrophy 3. Also called: Saldino-Noonan Syndrome; SHORT-RIB THORACIC DYSPLASIA 3/6 WITH POLYDACTYLY, DIGENIC; SHORT-RIB THORACIC DYSPLASIA 3 WITH OR WITHOUT POLYDACTYLY; POLYDACTYLY WITH NEONATAL CHONDRODYSTROPHY, TYPE I; Short rib polydactyly syndrome 2B. Identifiers: Orphanet 474, Orphanet 93269, Orphanet 93270, Orphanet 93271, MedGen C0036069, MONDO:0013127, OMIM 613091.
DYNC2H1-related disorder. Also called: DYNC2H1-related condition; DYNC2H1-related disorders. Identifiers: MedGen CN378770.

Allele frequency attached by ClinVar (database versions not stated): gnomAD 0.00008 and 0.00011; TOPMed 0.00008; gnomAD exomes 0.00009; ExAC 0.00010; 1000 Genomes Project 30x 0.00016; 1000 Genomes Project 0.00020.
gnomAD v4.1: 149 of 1,603,484 alleles (0.0093%); highest among the groups gnomAD compares: East Asian, 0.14%; 2 homozygotes.

Submissions (5):

Labcorp Genetics (formerly Invitae), Labcorp
Classification: Likely benign for Jeune thoracic dystrophy. Last evaluated: 2026-01-28. Review status: criteria provided, single submitter. Criteria: Invitae Variant Classification Sherloc (09022015). Collection method: clinical testing. Allele origin: germline.

PreventionGenetics, part of Exact Sciences
Classification: Likely benign for DYNC2H1-related condition. Last evaluated: 2025-08-25. Review status: criteria provided, single submitter. Criteria: ACMG Guidelines, 2015. Collection method: clinical testing. Allele origin: germline.
Comment: This variant is classified as likely benign based on ACMG/AMP sequence variant interpretation guidelines (Richards et al. 2015 PMID: 25741868, with internal and published modifications).

Blueprint Genetics
Classification: Likely benign. Last evaluated: 2024-10-23. Review status: criteria provided, single submitter. Criteria: ACMG Guidelines, 2015. Collection method: clinical testing. Allele origin: germline.

Illumina Laboratory Services, Illumina
Classification: Uncertain significance for Asphyxiating thoracic dystrophy 3. Last evaluated: 2018-01-12. Review status: criteria provided, single submitter. Criteria: ICSL Variant Classification Criteria 13 December 2019. Collection method: clinical testing. Allele origin: germline.

Eurofins Ntd Llc (ga)
Classification: Uncertain significance. Last evaluated: 2017-04-27. Review status: criteria provided, single submitter. Criteria: EGL Classification Definitions 2015. Collection method: clinical testing. Allele origin: germline. Observed: 1 variant allele, 1 heterozygote.